The following is an entry in ClinVar:

NM_000261.2(MYOC):c.1267A>G (p.Lys423Glu)

Gene: MYOC (myocilin; minus strand). Cytogenetic location: 1q24.3.
Variant type: single nucleotide variant.
Coding change: c.1267A>G on transcript NM_000261.2 (MANE Select); coding-DNA position 1267, A replaced by G.
Protein change: p.Lys423Glu; replaces lysine 423 with glutamic acid.
Molecular consequence: missense variant.
Genome position (GRCh38, 1-based): chr1:171,636,173, T>C on the plus strand (A>G on the coding strand, the complement: MYOC is on the minus strand). VCF-style: chr1-171636173-T-C. GRCh37 (hg19) VCF-style: chr1-171605313-T-C.
Other names: NM_000261.2(MYOC):c.1267A>G; short protein forms K423E.
Identifiers: ClinVar variation 7954 (VCV000007954.5), dbSNP rs74315336, ClinGen allele CA119178.

ClinVar aggregate classification (germline): Pathogenic. Review status: reviewed by expert panel (3 of 4 stars). 2 submissions from 2 submitters: Pathogenic (1). 1 of the submissions does not count toward it. Last evaluated 2026-02-18.

Conditions:
Open-angle glaucoma. Identifiers: MedGen C0017612, MONDO:0005338, HP:0012108.
Glaucoma 1, open angle, A (GLC1A). Also called: Glaucoma, Dominant (Juvenile Onset). Identifiers: Orphanet 98977, MedGen C1842028, MONDO:0007664, OMIM 137750.

Submissions (2):

ClinGen Glaucoma Variant Curation Expert Panel
Classification: Pathogenic for Open-angle glaucoma. Last evaluated: 2026-02-18. Review status: reviewed by expert panel. Criteria: ClinGen Glaucoma ACMG Specifications V2.0.0 Approved. Collection method: curation. Allele origin: germline. Inheritance: Autosomal dominant inheritance.
Comment: The c.1267A>G variant in MYOC is a missense variant predicted to cause substitution of Lysine by Glutamic Acid at amino acid 423 (p.Lys423Glu). This variant was not found in any genetic ancestry group of gnomAD (v4.1.0), meeting the ≤ 0.0001 threshold set for PM2_Supporting in a genetic ancestry group of at least 10,000 alleles. The REVEL score = 0.876, which was within the 0.773-0.931 range for PP3_Moderate, predicting a damaging effect on MYOC function. The Lys423Glu protein had increased insolubility, instability and reduced secretion levels compared to wild type myocilin protein in these studies (PMIDs: 16466712, 36267417, 20334347, 21612213, 23129764). The assays met the OddsPath threshold for PS3_Moderate (> 4.3), indicating that this variant did impact protein function. This protein has also been assessed in these other studies (PMIDs: 10545602, 11152659, 15069026, 16297911), however, the same level of evidence was not met. 82 segregations in 3 families, with juvenile or primary open angle glaucoma (JOAG or POAG), have been reported (PMIDs: 12860809, 9697688, 37247815), which fulfilled PP1_Strong (≥7 meioses in >1 family). 5 probands with JOAG or POAG have been reported carrying this variant (PMIDs: 30484747, 12189160, 12860809, 9697688, 37247815), which met PS4_Supporting (≥ 2 probands). In summary, this variant met the criteria to receive a score of 10 and to be classified as pathogenic (pathogenic classification ≥ 10, adapted from PMID: 32720330) for juvenile open angle glaucoma based on the ACMG/AMP criteria met, as specified by the ClinGen Glaucoma VCEP (v2.0.0, 5 Dec 2024): PP1_Strong, PS3_Moderate, PP3_Moderate, PM2_Supporting, PS4_Supporting.

OMIM
Classification: Pathogenic for GLAUCOMA 1, OPEN ANGLE, A. Last evaluated: 1998-08-01. Review status: no assertion criteria provided. Collection method: literature only. Allele origin: germline. Not counted in ClinVar's aggregate classification.

Literature cited by the submitters: PubMed 9697688 (cited by OMIM); PubMed 6770678 (cited by OMIM).